The following is an entry in ClinVar:

ClinVar aggregate classification (germline): Uncertain significance. Review status: criteria provided, multiple submitters, no conflicts (2 of 4 stars). 2 submissions from 2 submitters: Uncertain significance (2). Last evaluated 2023-10-05.

Allele frequency attached by ClinVar (database versions not stated): gnomAD exomes below 0.00001.

Submissions (2):

Women's Health and Genetics/Laboratory Corporation of America, LabCorp
Classification: Uncertain significance. Last evaluated: 2023-10-05. Review status: criteria provided, single submitter. Criteria: LabCorp Variant Classification Summary - May 2015. Collection method: clinical testing. Allele origin: germline.
Comment: Variant summary: SON c.2795A>G (p.His932Arg) results in a non-conservative amino acid change in the encoded protein sequence. Three of five in-silico tools predict a benign effect of the variant on protein function. The variant was absent in 251404 control chromosomes (gnomAD). The available data on variant occurrences in the general population are insufficient to allow any conclusion about variant significance. To our knowledge, no occurrence of c.2795A>G in individuals affected with ZTTK Syndrome and no experimental evidence demonstrating its impact on protein function have been reported. One submitter has cited a clinical-significance assessment for this variant to ClinVar after 2014 and has classified the variant as uncertain significance. Based on the evidence outlined above, the variant was classified as uncertain significance.

Labcorp Genetics (formerly Invitae), Labcorp
Classification: Uncertain significance. Last evaluated: 2022-01-26. Review status: criteria provided, single submitter. Criteria: Invitae Variant Classification Sherloc (09022015). Collection method: clinical testing. Allele origin: germline.
Comment: This sequence change replaces histidine, which is basic and polar, with arginine, which is basic and polar, at codon 932 of the SON protein (p.His932Arg). In summary, the available evidence is currently insufficient to determine the role of this variant in disease. Therefore, it has been classified as a Variant of Uncertain Significance. Algorithms developed to predict the effect of missense changes on protein structure and function are either unavailable or do not agree on the potential impact of this missense change (SIFT: "Deleterious"; PolyPhen-2: "Probably Damaging"; Align-GVGD: "Class C0"). This variant has not been reported in the literature in individuals affected with SON-related conditions. This variant is not present in population databases (gnomAD no frequency).

NM_138927.4(SON):c.2795A>G (p.His932Arg)

Gene: SON (SON DNA and RNA binding protein; plus strand). Cytogenetic location: 21q22.11.
Variant type: single nucleotide variant.
Coding change: c.2795A>G on transcript NM_138927.4 (MANE Select); coding-DNA position 2795, A replaced by G.
Protein change: p.His932Arg; replaces histidine 932 with arginine.
Molecular consequence: missense variant. On other transcripts: non-coding transcript variant (1), intron variant (1).
Genome position (GRCh38, 1-based): chr21:33,552,026, A>G. VCF-style: chr21-33552026-A-G. GRCh37 (hg19) VCF-style: chr21-34924332-A-G.
Other names: c.2795A>G, p.His932Arg (NM_001291411.2, NM_001412133.1, NM_032195.3 and 2 more transcripts); c.245-5130A>G (NM_001291412.3); short protein forms H932R.
Identifiers: ClinVar variation 1960715 (VCV001960715.6), dbSNP rs2517365680, ClinGen allele CA410158776.
Genomic context (GRCh38, chr21:33,552,026, plus strand): 5'-ATCCCTATAGGTTAGCTCAGGATCCTTACAGGTTAGCTCAGGATCCCTATAGGTTGGGCC[A>G]TGACCCCTATAGATTAGGTCATGATGCTTACAGGTTAGGACAAGACCCTTATAGATTAGG-3'
Protein context (NP_620305.3, residues 922-942): RLAQDPYRLG[His932Arg]DPYRLGHDAY